The following is an entry in ClinVar:

ClinVar aggregate classification (germline): Uncertain significance. Review status: criteria provided, multiple submitters, no conflicts (2 of 4 stars). 2 submissions from 2 submitters: Uncertain significance (2). Last evaluated 2023-12-01.

Conditions:
Glycogen storage disease due to muscle and heart glycogen synthase deficiency. Also called: MUSCLE GLYCOGEN SYNTHASE DEFICIENCY; GSD 0b. Identifiers: Orphanet 137625, MedGen C1969054, MONDO:0012693, OMIM 611556.

Allele frequency attached by ClinVar (database versions not stated): gnomAD 0.00001; ExAC 0.00002; TOPMed 0.00003.
gnomAD v4.1: 33 of 1,613,544 alleles (0.002%); highest among the groups gnomAD compares: Non-Finnish European, 0.0028%; no homozygotes.

Submissions (2):

CeGaT Center for Human Genetics Tuebingen
Classification: Uncertain significance. Last evaluated: 2023-12-01. Review status: criteria provided, single submitter. Criteria: CeGaT Center For Human Genetics Tuebingen Variant Classification Criteria Version 2. Collection method: clinical testing. Allele origin: germline. Affected: yes. Observed: 1 variant allele.
Comment: GYS1: PM2, BP4

Labcorp Genetics (formerly Invitae), Labcorp
Classification: Uncertain significance for Glycogen storage disease due to muscle and heart glycogen synthase deficiency. Last evaluated: 2022-03-19. Review status: criteria provided, single submitter. Criteria: Invitae Variant Classification Sherloc (09022015). Collection method: clinical testing. Allele origin: germline.
Comment: Algorithms developed to predict the effect of missense changes on protein structure and function (SIFT, PolyPhen-2, Align-GVGD) all suggest that this variant is likely to be tolerated. This variant has not been reported in the literature in individuals affected with GYS1-related conditions. This variant is present in population databases (rs755528744, gnomAD 0.003%). This sequence change replaces aspartic acid, which is acidic and polar, with asparagine, which is neutral and polar, at codon 23 of the GYS1 protein (p.Asp23Asn). In summary, the available evidence is currently insufficient to determine the role of this variant in disease. Therefore, it has been classified as a Variant of Uncertain Significance.

NM_002103.5(GYS1):c.67G>A (p.Asp23Asn)

Gene: GYS1 (glycogen synthase 1; minus strand). Cytogenetic location: 19q13.33.
Variant type: single nucleotide variant.
Coding change: c.67G>A on transcript NM_002103.5 (MANE Select); coding-DNA position 67, G replaced by A.
Protein change: p.Asp23Asn; replaces aspartic acid 23 with asparagine.
Molecular consequence: missense variant. On other transcripts: non-coding transcript variant (1).
Genome position (GRCh38, 1-based): chr19:48,993,046, C>T on the plus strand (G>A on the coding strand, the complement: GYS1 is on the minus strand). VCF-style: chr19-48993046-C-T. GRCh37 (hg19) VCF-style: chr19-49496303-C-T.
Other names: c.67G>A, p.Asp23Asn (NM_001161587.2); short protein forms D23N.
Identifiers: ClinVar variation 2185282 (VCV002185282.25), dbSNP rs755528744, ClinGen allele CA9563471.
Genomic context (GRCh38, chr19:48,993,046, plus strand): 5'-CGTGCTCACCCTTGTTAGCCACCTCCCAGGCCACTTCGAAGAGCACTGCGTTCTCCAGGT[C>T]GAATTCATCCTCCCAGTCCTCCAGTCCTGGCAGTGAGGACATGGACAAAGTGCGGTTTAA-3'
Protein context (NP_002094.2, residues 13-33): PGLEDWEDEF[Asp23Asn]LENAVLFEVA